The following is an entry in ClinVar:

ClinVar aggregate classification (germline): Pathogenic/Likely pathogenic. Review status: criteria provided, multiple submitters, no conflicts (2 of 4 stars). 6 submissions from 6 submitters: Pathogenic (3); Likely pathogenic (1). 2 of the submissions do not count toward it. Last evaluated 2026-09-16.

Conditions:
AMN-related disorder. Also called: AMN-related condition.
Imerslund-Grasbeck syndrome type 2. Also called: Megaloblastic anemia 1, Norwegian type; MEGALOBLASTIC ANEMIA, NORWEGIAN TYPE; Imerslund-Gräsbeck syndrome 2. Identifiers: MedGen C4016948, MONDO:0100157, OMIM 618882.
Imerslund-Grasbeck syndrome. Also called: Megaloblastic anemia due to inborn errors of metabolism; ENTEROCYTE COBALAMIN MALABSORPTION; ENTEROCYTE INTRINSIC FACTOR RECEPTOR, DEFECT OF; PERNICIOUS ANEMIA, JUVENILE, DUE TO SELECTIVE INTESTINAL MALABSORPTION OF VITAMIN B12, WITH PROTEINURIA; Imerslund-Gräsbeck syndrome. Identifiers: Orphanet 35858, MedGen C4551825, MONDO:0009853.

Submissions (6):

PreventionGenetics, part of Exact Sciences
Classification: Pathogenic for AMN-related condition. Last evaluated: 2026-09-16. Review status: criteria provided, single submitter. Criteria: ACMG Guidelines, 2015. Collection method: clinical testing. Allele origin: germline.
Comment: The AMN c.14delG variant is predicted to result in a frameshift and premature protein termination (p.Gly5Alafs*12). This variant has been reported in the homozygous state in multiple affected individuals with megaloblastic anaemia from three families and was shown to greatly reduce protein expression (Tanner et al. 2003. PubMed ID: 12590260). This variant is reported in 0.0050% of alleles in individuals of European (Non-Finnish) descent in gnomAD and is interpreted as pathogenic in ClinVar (Variation ID: 56749). Frameshift variants in AMN are expected to be pathogenic. This variant is interpreted as pathogenic.

Blueprint Genetics
Classification: Likely pathogenic for AMN-related disorders. Last evaluated: 2024-04-24. Review status: criteria provided, single submitter. Criteria: ACMG Guidelines, 2015. Collection method: clinical testing. Allele origin: germline. Affected: yes. Observed: 3 variant alleles.

Labcorp Genetics (formerly Invitae), Labcorp
Classification: Pathogenic for Imerslund-Grasbeck syndrome. Last evaluated: 2024-01-18. Review status: criteria provided, single submitter. Criteria: Invitae Variant Classification Sherloc (09022015). Collection method: clinical testing. Allele origin: germline.
Comment: This sequence change creates a premature translational stop signal (p.Gly5Alafs*12) in the AMN gene. It is expected to result in an absent or disrupted protein product. Loss-of-function variants in AMN are known to be pathogenic (PMID: 12590260, 22929189). This variant is present in population databases (rs746999720, gnomAD 0.006%). This premature translational stop signal has been observed in individual(s) with megaloblastic anemia (PMID: 12590260). ClinVar contains an entry for this variant (Variation ID: 56749). For these reasons, this variant has been classified as Pathogenic.

Fulgent Genetics
Classification: Pathogenic for Imerslund-Grasbeck syndrome type 2. Last evaluated: 2021-12-14. Review status: criteria provided, single submitter. Criteria: ACMG Guidelines, 2015. Collection method: clinical testing. Allele origin: unknown.

OMIM
Classification: Pathogenic for IMERSLUND-GRASBECK SYNDROME 2. Last evaluated: 2003-03-01. Review status: no assertion criteria provided. Collection method: literature only. Allele origin: germline. Not counted in ClinVar's aggregate classification.

Juha Muilu Group; Institute for Molecular Medicine Finland (FIMM)
Classification: Likely pathogenic for Megaloblastic anemia due to inborn errors of metabolism. Review status: no assertion criteria provided. Collection method: not provided. Allele origin: unknown. Not counted in ClinVar's aggregate classification.
Comment: FinDis database variant: This variant was not found or characterized by our laboratory, data were collected from public sources: see reference
ClinVar note: Converted during submission from probable-pathogenic to Likely pathogenic.

Literature cited by the submitters: PubMed 12590260 (cited by Labcorp Genetics (formerly Invitae), Labcorp and OMIM); PubMed 22929189 (cited by Labcorp Genetics (formerly Invitae), Labcorp); PubMed 13852753 (cited by OMIM); PubMed 6741523 (cited by OMIM).

NM_030943.4(AMN):c.14del (p.Gly5fs)

Gene: AMN (amnion associated transmembrane protein; plus strand). Cytogenetic location: 14q32.32.
Variant type: Deletion.
Coding change: c.14del on transcript NM_030943.4 (MANE Select); coding-DNA position 14, one base deleted (G; older notation c.14delG).
Protein change: p.Gly5fs; shifts the reading frame from glycine 5.
Molecular consequence: frameshift variant.
Genome position (GRCh38, 1-based): chr14:102,922,702, G deleted; the last of 3 consecutive G bases (chr14:102,922,700-102,922,702); deleting any one gives the same sequence. VCF-style (leftmost placement, unchanged base first): chr14-102922699-TG-T. GRCh37 (hg19) VCF-style: chr14-103389036-TG-T.
Other names: c.14delG (NM_030943.3); short protein forms G5fs.
Identifiers: ClinVar variation 56749 (VCV000056749.10), dbSNP rs386834168, ClinGen allele CA144407.